The following is an entry in ClinVar:

ClinVar aggregate classification (germline): Conflicting classifications of pathogenicity. Review status: criteria provided, conflicting classifications (1 of 4 stars). 6 submissions from 5 submitters: Uncertain significance (3); Likely benign (3). Last evaluated 2026-01-27.

Conditions:
Catecholaminergic polymorphic ventricular tachycardia 1. Also called: VENTRICULAR TACHYCARDIA, CATECHOLAMINERGIC POLYMORPHIC, 1, WITH OR WITHOUT ATRIAL DYSFUNCTION AND/OR DILATED CARDIOMYOPATHY; RYR2-Related Catecholaminergic Polymorphic Ventricular Tachycardia; VENTRICULAR TACHYCARDIA, STRESS-INDUCED POLYMORPHIC 1. Identifiers: Orphanet 3286, MedGen C1631597, MONDO:0011484, OMIM 604772.
Cardiomyopathy (CMYO). Also called: Cardiomyopathies. Identifiers: Orphanet 167848, MedGen C0878544, MONDO:0004994, HP:0001638. Inheritance: Various modes of inheritance.
Arrhythmogenic right ventricular dysplasia 2. Identifiers: MedGen C1832931.

Allele frequency attached by ClinVar (database versions not stated): ExAC 0.00002; gnomAD exomes 0.00002; gnomAD 0.00003 and 0.00004; TOPMed 0.00003.
gnomAD v4.1: 24 of 1,425,264 alleles (0.0017%); highest among the groups gnomAD compares: East Asian, 0.0023%; no homozygotes.

Submissions (6):

Labcorp Genetics (formerly Invitae), Labcorp
Classification: Likely benign for Catecholaminergic polymorphic ventricular tachycardia 1. Last evaluated: 2026-01-27. Review status: criteria provided, single submitter. Criteria: Invitae Variant Classification Sherloc (09022015). Collection method: clinical testing. Allele origin: germline.

Blueprint Genetics
Classification: Likely benign. Last evaluated: 2022-08-04. Review status: criteria provided, single submitter. Criteria: ACMG Guidelines, 2015. Collection method: clinical testing. Allele origin: germline.

Color Diagnostics, LLC DBA Color Health
Classification: Likely benign for Cardiomyopathy. Last evaluated: 2018-11-16. Review status: criteria provided, single submitter. Criteria: ACMG Guidelines, 2015. Collection method: clinical testing. Allele origin: germline.

Illumina Laboratory Services, Illumina
Classification: Uncertain significance for Catecholaminergic polymorphic ventricular tachycardia 1. Last evaluated: 2018-01-13. Review status: criteria provided, single submitter. Criteria: ICSL Variant Classification Criteria 13 December 2019. Collection method: clinical testing. Allele origin: germline.

Illumina Laboratory Services, Illumina
Classification: Uncertain significance for Catecholaminergic polymorphic ventricular tachycardia 1. Last evaluated: 2018-01-13. Review status: criteria provided, single submitter. Criteria: ICSL Variant Classification Criteria 13 December 2019. Collection method: clinical testing. Allele origin: germline.

Laboratory for Molecular Medicine, Mass General Brigham Personalized Medicine
Classification: Uncertain significance. Last evaluated: 2014-04-09. Review status: criteria provided, single submitter. Criteria: LMM Criteria. Collection method: clinical testing. Allele origin: germline. Observed: 1 variant allele.
Comment: The 10495-14A>G variant in RYR2 has not been previously reported in individuals with cardiomyopathy or in large population studies. This variant is located in the 3' splice region. Computational tools do not suggest an impact to splicing. However, this information is not predictive enough to rule out pathogenicity. Ad ditional information is needed to fully assess the clinical significance of the variant.

NM_001035.3(RYR2):c.10495-14A>G

Gene: RYR2 (ryanodine receptor 2; plus strand). Cytogenetic location: 1q43.
Variant type: single nucleotide variant.
Coding change: c.10495-14A>G on transcript NM_001035.3 (MANE Select); 14 bases into the intron before coding-DNA position 10495, A replaced by G.
Molecular consequence: intron variant.
Genome position (GRCh38, 1-based): chr1:237,718,448, A>G. VCF-style: chr1-237718448-A-G. GRCh37 (hg19) VCF-style: chr1-237881748-A-G.
Identifiers: ClinVar variation 179691 (VCV000179691.16), dbSNP rs727505057, ClinGen allele CA006644.